The following is an entry in ClinVar:

ClinVar aggregate classification (germline): Conflicting classifications of pathogenicity. Review status: criteria provided, conflicting classifications (1 of 4 stars). 7 submissions from 7 submitters: Uncertain significance (3); Likely benign (4). Last evaluated 2026-01-25.

Conditions:
ADAMTS13-related disorder. Also called: ADAMTS13-related condition.
Upshaw-Schulman syndrome (TTP). Also called: THROMBOTIC THROMBOCYTOPENIC PURPURA, HEREDITARY; Congenital thrombotic thrombocytopenic purpura. Identifiers: Orphanet 93583, MedGen C1268935, MONDO:0010122, OMIM 274150.

Allele frequency attached by ClinVar (database versions not stated): gnomAD exomes 0.00032; 1000 Genomes Project 0.00060; ExAC 0.00067; ESP Exome Variant Server 0.00086; 1000 Genomes Project 30x 0.00094; TOPMed 0.00108; gnomAD 0.00111 and 0.00118.
gnomAD v4.1: 411 of 1,574,754 alleles (0.026%); highest among the groups gnomAD compares: African/African-American, 0.34%; 1 homozygote.

Submissions (7):

Labcorp Genetics (formerly Invitae), Labcorp
Classification: Likely benign. Last evaluated: 2026-01-25. Review status: criteria provided, single submitter. Criteria: Invitae Variant Classification Sherloc (09022015). Collection method: clinical testing. Allele origin: germline.

Mayo Clinic Laboratories, Mayo Clinic
Classification: Likely benign. Last evaluated: 2025-07-01. Review status: criteria provided, single submitter. Criteria: ACMG Guidelines, 2015. Collection method: clinical testing. Allele origin: germline. Observed: 10 variant alleles.
Comment: BS1, BP4

PreventionGenetics, part of Exact Sciences
Classification: Likely benign for ADAMTS13-related condition. Last evaluated: 2025-03-17. Review status: criteria provided, single submitter. Criteria: ACMG Guidelines, 2015. Collection method: clinical testing. Allele origin: germline.
Comment: This variant is classified as likely benign based on ACMG/AMP sequence variant interpretation guidelines (Richards et al. 2015 PMID: 25741868, with internal and published modifications).

Women's Health and Genetics/Laboratory Corporation of America, LabCorp
Classification: Likely benign. Last evaluated: 2024-11-12. Review status: criteria provided, single submitter. Criteria: LabCorp Variant Classification Summary - May 2015. Collection method: clinical testing. Allele origin: germline.
Comment: Variant summary: ADAMTS13 c.2384C>T (p.Ala795Val) results in a non-conservative amino acid change located in the Thrombospondin type-1 (TSP1) repeat domain (IPR000884) of the encoded protein sequence. Four of five in-silico tools predict a benign effect of the variant on protein function. The variant allele was found at a frequency of 0.00032 in 182448 control chromosomes, predominantly at a frequency of 0.0041 within the African or African-American subpopulation in the gnomAD database. The observed variant frequency within African or African-American control individuals in the gnomAD database exceeds the estimated maximal expected allele frequency for a pathogenic variant in ADAMTS13 causing Thrombotic Thrombocytopenic Purpura phenotype. c.2384C>T has been reported in the literature in an individual affected with Thrombotic Thrombocytopenic Purpura (Gavriilaki_2015). These report(s) do not provide unequivocal conclusions about association of the variant with Thrombotic Thrombocytopenic Purpura. To our knowledge, no experimental evidence demonstrating an impact on protein function has been reported. The following publication has been ascertained in the context of this evaluation (PMID: 25862562). ClinVar contains an entry for this variant (Variation ID: 1336042). Based on the evidence outlined above, the variant was classified as likely benign.

Blueprint Genetics
Classification: Uncertain significance. Last evaluated: 2024-10-16. Review status: criteria provided, single submitter. Criteria: ACMG Guidelines, 2015. Collection method: clinical testing. Allele origin: germline.

Department of Pathology and Laboratory Medicine, Sinai Health System
Classification: Uncertain significance for congenital thrombotic thrombocytopenic purpura. Last evaluated: 2021-07-30. Review status: criteria provided, single submitter. Criteria: ACMG Guidelines, 2015. Collection method: research. Allele origin: germline.

Genetic Services Laboratory, University of Chicago
Classification: Uncertain significance. Last evaluated: 2017-09-21. Review status: criteria provided, single submitter. Criteria: ACMG Guidelines, 2015. Collection method: clinical testing. Allele origin: germline. Affected: no.

Literature cited by the submitters: PubMed 25862562 (cited by Women's Health and Genetics/Laboratory Corporation of America, LabCorp).

NM_139027.6(ADAMTS13):c.2384C>T (p.Ala795Val)

Gene: ADAMTS13 (ADAM metallopeptidase with thrombospondin type 1 motif 13; plus strand). Cytogenetic location: 9q34.2.
Variant type: single nucleotide variant.
Coding change: c.2384C>T on transcript NM_139027.6 (MANE Select); coding-DNA position 2384, C replaced by T.
Protein change: p.Ala795Val; replaces alanine 795 with valine.
Molecular consequence: missense variant.
Genome position (GRCh38, 1-based): chr9:133,443,525, C>T. VCF-style: chr9-133443525-C-T. GRCh37 (hg19) VCF-style: chr9-136308646-C-T.
Other names: p.Ala795Val; c.2384C>T, p.Ala795Val (NM_139025.5); c.2291C>T, p.Ala764Val (NM_139026.6); short protein forms A764V, A795V.
Identifiers: ClinVar variation 1336042 (VCV001336042.13), dbSNP rs201607490, ClinGen allele CA200934894.